The following is an entry in ClinVar:

NM_001982.4(ERBB3):c.2707G>A (p.Glu903Lys)

Gene: ERBB3 (erb-b2 receptor tyrosine kinase 3; plus strand). Cytogenetic location: 12q13.2.
Variant type: single nucleotide variant.
Coding change: c.2707G>A on transcript NM_001982.4 (MANE Select); coding-DNA position 2707, G replaced by A.
Protein change: p.Glu903Lys; replaces glutamic acid 903 with lysine.
Molecular consequence: missense variant.
Genome position (GRCh38, 1-based): chr12:56,098,773, G>A. VCF-style: chr12-56098773-G-A. GRCh37 (hg19) VCF-style: chr12-56492557-G-A.
Other names: short protein forms E903K.
Identifiers: ClinVar variation 4882834 (VCV004882834.2).

ClinVar aggregate classification (germline): Uncertain significance (1 of 4 stars; one submission).

Submission:

Dasa
Classification: Uncertain significance. Last evaluated: 2026-04-20. Review status: criteria provided, single submitter. Criteria: DASA Assertion Criteria. Collection method: clinical testing. Allele origin: germline.
Comment: NM_001982.4(ERBB3):c.2707G>A (p.Glu903Lys) is a missense variant that results in the substitution of glutamic acid with lysine. This variant is rare in population databases. Computational prediction algorithms are consistent with a deleterious effect. The currently available literature and clinical evidence are not sufficient to establish a definitive association between this variant and the reported condition. Therefore, this variant is classified as a variant of uncertain significance.